The following is an entry in ClinVar:

ClinVar aggregate classification (germline): Uncertain significance (1 of 4 stars; one submission).

Submission:

Ambry Genetics
Classification: Uncertain significance. Last evaluated: 2022-08-03. Review status: criteria provided, single submitter. Criteria: Ambry Variant Classification Scheme 2023. Collection method: clinical testing. Allele origin: germline.
Comment: The p.N1465Y variant (also known as c.4393A>T), located in coding exon 4 of the ALPK2 gene, results from an A to T substitution at nucleotide position 4393. The asparagine at codon 1465 is replaced by tyrosine, an amino acid with dissimilar properties. This amino acid position is conserved. In addition, this alteration is predicted to be tolerated by in silico analysis. Since supporting evidence is limited at this time, the clinical significance of this alteration remains unclear.

NM_052947.4(ALPK2):c.4393A>T (p.Asn1465Tyr)

Genes: ALPK2 (alpha kinase 2; minus strand), LOC126862764 (BRD4-independent group 4 enhancer GRCh37_chr18:56202574-56203773; plus strand). Cytogenetic location: 18q21.31.
Variant type: single nucleotide variant.
Coding change: c.4393A>T on transcript NM_052947.4 (MANE Select); coding-DNA position 4393, A replaced by T.
Protein change: p.Asn1465Tyr; replaces asparagine 1465 with tyrosine.
Molecular consequence: missense variant.
Genome position (GRCh38, 1-based): chr18:58,535,794, T>A on the plus strand (A>T on the coding strand, the complement: ALPK2 is on the minus strand). VCF-style: chr18-58535794-T-A. GRCh37 (hg19) VCF-style: chr18-56203026-T-A.
Other names: short protein forms N1465Y.
Identifiers: ClinVar variation 1740240 (VCV001740240.2), dbSNP rs2518874823, ClinGen allele CA402562784.